The following is an entry in ClinVar:

ClinVar aggregate classification (germline): Uncertain significance (1 of 4 stars; one submission).

Conditions:
Polycystic kidney disease, adult type (PKD1). Also called: Polycystic Kidney Disease 1, Autosomal Dominant; Polycystic kidney disease 1; Polycystic kidney disease 1, severe; Polycystic Kidney, Autosomal Dominant; POLYCYSTIC KIDNEY DISEASE, ADULT, TYPE I; POLYCYSTIC KIDNEY DISEASE 1 WITH OR WITHOUT POLYCYSTIC LIVER DISEASE. Identifiers: MedGen C3149841, MONDO:0008263, OMIM 173900.

Submission:

3billion
Classification: Uncertain significance for Polycystic kidney disease, adult type. Last evaluated: 2025-12-18. Review status: criteria provided, single submitter. Criteria: ACMG Guidelines, 2015. Collection method: clinical testing. Allele origin: germline. Affected: yes.
Comment: The variant is not observed in the gnomAD v4.1.0 dataset. Predicted Consequence/Location: Missense variant Damaging effect on gene or gene product predicted by in silico programs is uncertain [REVEL: 0.48 (damaging >=0.6, benign <0.4), 3Cnet: 0.74 (damaging >0.75, benign <0.1)]. The variant has been reported as of uncertain significance (ClinVar ID: VCV002572445; 3billion dataset). Different missense changes at the same codon have been reported as of uncertain significance (ClinVar ID: VCV001709952). Therefore, this variant is classified as VUS according to the recommendation of ACMG/AMP guideline.

NM_001009944.3(PKD1):c.3902C>T (p.Pro1301Leu)

Gene: PKD1 (polycystin 1, transient receptor potential channel interacting; minus strand). Cytogenetic location: 16p13.3.
Variant type: single nucleotide variant.
Coding change: c.3902C>T on transcript NM_001009944.3 (MANE Select); coding-DNA position 3902, C replaced by T.
Protein change: p.Pro1301Leu; replaces proline 1301 with leucine.
Molecular consequence: missense variant.
Genome position (GRCh38, 1-based): chr16:2,111,265, G>A on the plus strand (C>T on the coding strand, the complement: PKD1 is on the minus strand). VCF-style: chr16-2111265-G-A. GRCh37 (hg19) VCF-style: chr16-2161266-G-A.
Other names: c.3902C>T, p.Pro1301Leu (NM_000296.4); short protein forms P1301L.
Identifiers: ClinVar variation 2572445 (VCV002572445.2), dbSNP rs2544826889, ClinGen allele CA394381976.